The following is an entry in ClinVar:

ClinVar aggregate classification (germline): Uncertain significance (1 of 4 stars; one submission).

Conditions:
Hereditary nonpolyposis colorectal neoplasms. Identifiers: MedGen C0009405, MeSH D003123.

Submission:

Labcorp Genetics (formerly Invitae), Labcorp
Classification: Uncertain significance for Hereditary nonpolyposis colorectal neoplasms. Last evaluated: 2021-10-21. Review status: criteria provided, single submitter. Criteria: Invitae Variant Classification Sherloc (09022015). Collection method: clinical testing. Allele origin: germline.
Comment: In summary, the available evidence is currently insufficient to determine the role of this variant in disease. Therefore, it has been classified as a Variant of Uncertain Significance. Advanced modeling of protein sequence and biophysical properties (such as structural, functional, and spatial information, amino acid conservation, physicochemical variation, residue mobility, and thermodynamic stability) performed at Invitae indicates that this missense variant is not expected to disrupt PMS2 protein function. This variant has not been reported in the literature in individuals affected with PMS2-related conditions. This variant is not present in population databases (ExAC no frequency). This sequence change replaces serine with proline at codon 326 of the PMS2 protein (p.Ser326Pro). The serine residue is moderately conserved and there is a moderate physicochemical difference between serine and proline.

NM_000535.7(PMS2):c.976T>C (p.Ser326Pro)

Gene: PMS2 (PMS1 homolog 2, mismatch repair system component; minus strand). Cytogenetic location: 7p22.1.
Variant type: single nucleotide variant.
Coding change: c.976T>C on transcript NM_000535.7 (MANE Select); coding-DNA position 976, T replaced by C.
Protein change: p.Ser326Pro; replaces serine 326 with proline.
Molecular consequence: missense variant. On other transcripts: non-coding transcript variant (1).
Genome position (GRCh38, 1-based): chr7:5,991,985, A>G on the plus strand (T>C on the coding strand, the complement: PMS2 is on the minus strand). VCF-style: chr7-5991985-A-G. GRCh37 (hg19) VCF-style: chr7-6031616-A-G.
Other names: c.571T>C, p.Ser191Pro (NM_001322003.2, NM_001322004.2, NM_001322005.2 and 2 more transcripts); c.976T>C, p.Ser326Pro (NM_001322006.2, NM_001322014.2); c.658T>C, p.Ser220Pro (NM_001322007.2, NM_001322008.2); c.43T>C, p.Ser15Pro (NM_001322011.2, NM_001322012.2); c.403T>C, p.Ser135Pro (NM_001322013.2); c.667T>C, p.Ser223Pro (NM_001322015.2); short protein forms S135P, S15P, S326P, S191P, S220P, S223P.
Identifiers: ClinVar variation 1498562 (VCV001498562.6), dbSNP rs2128755123, ClinGen allele CA366743080.